The following is an entry in ClinVar:

NM_004415.4(DSP):c.1575-4_1575-3del

Gene: DSP (desmoplakin; plus strand). Cytogenetic location: 6p24.3.
Variant type: Deletion.
Coding change: c.1575-4_1575-3del on transcript NM_004415.4 (MANE Select); 4 bases into the intron before coding-DNA position 1575 through 3 bases into the intron before coding-DNA position 1575, 2 bases deleted (TT; older notation c.1575-4_1575-3delTT).
Molecular consequence: intron variant.
Genome position (GRCh38, 1-based): chr6:7,570,433-7,570,434, TT deleted. VCF-style (leftmost placement, unchanged base first): chr6-7570432-CTT-C. GRCh37 (hg19) VCF-style: chr6-7570665-CTT-C.
Other names: c.1575-4_1575-3del (NM_001319034.2, NM_001008844.3).
Identifiers: ClinVar variation 949472 (VCV000949472.9), dbSNP rs1759008080, ClinGen allele CA1139659320.

ClinVar aggregate classification (germline): Uncertain significance. Review status: criteria provided, multiple submitters, no conflicts (2 of 4 stars). 2 submissions from 2 submitters: Uncertain significance (2). Last evaluated 2024-03-05.

Conditions:
Arrhythmogenic cardiomyopathy with wooly hair and keratoderma. Also called: Arrhythmogenic cardiomyopathy with woolly hair and keratoderma; PALMOPLANTAR KERATODERMA WITH LEFT VENTRICULAR CARDIOMYOPATHY AND WOOLLY HAIR; Dilated cardiomyopathy with woolly hair and keratoderma; Carvajal syndrome. Identifiers: Orphanet 65282, MedGen C1854063, MONDO:0011581, OMIM 605676.
Arrhythmogenic right ventricular dysplasia 8 (ARVD8). Also called: Arrhythmogenic Right Ventricular Dysplasia/Cardiomyopathy 8; ARRHYTHMOGENIC RIGHT VENTRICULAR DYSPLASIA, FAMILIAL, 8; ARRHYTHMOGENIC RIGHT VENTRICULAR CARDIOMYOPATHY 8. Identifiers: MedGen C1843896, MONDO:0011831, OMIM 607450.

Allele frequency attached by ClinVar (database versions not stated): gnomAD exomes below 0.00001.

Submissions (2):

All of Us Research Program, National Institutes of Health
Classification: Uncertain significance for Arrhythmogenic cardiomyopathy with wooly hair and keratoderma. Last evaluated: 2024-03-05. Review status: criteria provided, single submitter. Criteria: ACMG Guidelines, 2015. Collection method: clinical testing. Allele origin: germline. Inheritance: Autosomal dominant inheritance. Observed: 1 variant allele, 1 heterozygote.
Comment: This study involves interpretation of variants in research participants for the purpose of population health screening. Participant phenotype was not available at the time of variant classification. Additional details can be found in publication PMID: 35346344, PMCID: PMC8962531

Labcorp Genetics (formerly Invitae), Labcorp
Classification: Uncertain significance for Arrhythmogenic cardiomyopathy with wooly hair and keratoderma; Arrhythmogenic right ventricular dysplasia 8. Last evaluated: 2019-05-07. Review status: criteria provided, single submitter. Criteria: Invitae Variant Classification Sherloc (09022015). Collection method: clinical testing. Allele origin: germline.
Comment: This variant has not been reported in the literature in individuals with DSP-related conditions. In summary, the available evidence is currently insufficient to determine the role of this variant in disease. Therefore, it has been classified as a Variant of Uncertain Significance. Nucleotide substitutions within the consensus splice site are a relatively common cause of aberrant splicing (PMID: 17576681, 9536098). Algorithms developed to predict the effect of sequence changes on RNA splicing suggest that this variant is not likely to affect RNA splicing, but this prediction has not been confirmed by published transcriptional studies. This variant is not present in population databases (ExAC no frequency). This sequence change falls in intron 12 of the DSP gene. It does not directly change the encoded amino acid sequence of the DSP protein, but it affects a nucleotide within the consensus splice site of the intron.

Literature cited by the submitters: PubMed 17576681 (cited by Labcorp Genetics (formerly Invitae), Labcorp); PubMed 9536098 (cited by Labcorp Genetics (formerly Invitae), Labcorp).